The following is an entry in ClinVar:

ClinVar aggregate classification (germline): Uncertain significance (1 of 4 stars; one submission).

Conditions:
Hypertrophic cardiomyopathy 12. Identifiers: MedGen C2677491, MONDO:0012804, OMIM 612124.

Allele frequency attached by ClinVar (database versions not stated): gnomAD exomes below 0.00001.
gnomAD v4.1: 1 of 1,473,042 alleles (0.000068%); highest among the groups gnomAD compares: Non-Finnish European, 0.000095%; no homozygotes.

Submission:

Centre for Mendelian Genomics, University Medical Centre Ljubljana
Classification: Uncertain significance for Hypertrophic cardiomyopathy 12. Last evaluated: 2020-04-02. Review status: criteria provided, single submitter. Criteria: ACMG Guidelines, 2015. Collection method: clinical testing. Allele origin: unknown. Affected: yes.
Comment: This variant was classified as: Uncertain significance. The available evidence on this variant's pathogenicity is insufficient or conflicting. The following ACMG criteria were applied in classifying this variant: PM2,BP4.

NM_003476.5(CSRP3):c.-28-17G>T

Gene: CSRP3 (cysteine and glycine rich protein 3; minus strand). Cytogenetic location: 11p15.1.
Variant type: single nucleotide variant.
Coding change: c.-28-17G>T on transcript NM_003476.5 (MANE Select); 17 bases into the intron before 28 bases upstream of the start codon, G replaced by T.
Molecular consequence: intron variant.
Genome position (GRCh38, 1-based): chr11:19,192,493, C>A on the plus strand (G>T on the coding strand, the complement: CSRP3 is on the minus strand). VCF-style: chr11-19192493-C-A. GRCh37 (hg19) VCF-style: chr11-19214040-C-A.
Other names: c.-28-17G>T (NM_001369404.1).
Identifiers: ClinVar variation 930263 (VCV000930263.3), dbSNP rs1850633333, ClinGen allele CA1139661860.
Genomic context (GRCh38, chr11:19,192,493, plus strand): 5'-CGCCCCAGTTTGGCATCTTGAAGACTATCTGGTCAAGGTCAAGTCTAAGGGGACATAAAG[C>A]AAATACCCTACATTGAAGTGGCCCCAGGAGTGAACCAATCTCTAAGAGTGCAGTGGTCTG-3'